The following is an entry in ClinVar:

NM_004360.5(CDH1):c.2152C>G (p.Leu718Val)

Gene: CDH1 (cadherin 1; plus strand). Cytogenetic location: 16q22.1.
Variant type: single nucleotide variant.
Coding change: c.2152C>G on transcript NM_004360.5 (MANE Select); coding-DNA position 2152, C replaced by G.
Protein change: p.Leu718Val; replaces leucine 718 with valine.
Molecular consequence: missense variant.
Genome position (GRCh38, 1-based): chr16:68,823,614, C>G. VCF-style: chr16-68823614-C-G. GRCh37 (hg19) VCF-style: chr16-68857517-C-G.
Other names: c.2152C>G (LRG_301t1); c.1969C>G, p.Leu657Val (NM_001317184.2); c.604C>G, p.Leu202Val (NM_001317185.2); c.187C>G, p.Leu63Val (NM_001317186.2); short protein forms L718V, L202V, L657V, L63V.
Identifiers: ClinVar variation 230480 (VCV000230480.6), dbSNP rs876658591, ClinGen allele CA10580151.
Genomic context (GRCh38, chr16:68,823,614, plus strand): 5'-GCACAGCCTGTCGAAGCAGGATTGCAAATTCCTGCCATTCTGGGGATTCTTGGAGGAATT[C>G]TTGCTTTGCTAAGTAAGTCCAGCTGGCAAGTGACTCAGCCTTTGACTTAAAAAAATGGAG-3'
Protein context (NP_004351.1, residues 708-728): PAILGILGGI[Leu718Val]ALLILILLLL

ClinVar aggregate classification (germline): Uncertain significance. Review status: criteria provided, multiple submitters, no conflicts (2 of 4 stars). 2 submissions from 2 submitters: Uncertain significance (2). Last evaluated 2023-05-17.

Conditions:
Hereditary cancer-predisposing syndrome. Also called: Neoplastic Syndromes, Hereditary; Tumor predisposition; Hereditary Cancer Syndrome; Hereditary neoplastic syndrome. Identifiers: Orphanet 140162, MedGen C0027672, MeSH D009386, MONDO:0015356.
Familial cancer of breast. Also called: BREAST CANCER, FAMILIAL; hereditary breast carcinoma; Hereditary breast cancer. Identifiers: Orphanet 227535, MedGen C0346153, MONDO:0016419, OMIM 114480. Disease mechanism: loss of function.

Submissions (2):

Baylor Genetics
Classification: Uncertain significance for Familial cancer of breast. Last evaluated: 2023-05-17. Review status: criteria provided, single submitter. Criteria: ACMG Guidelines, 2015. Collection method: clinical testing. Allele origin: unknown.

Ambry Genetics
Classification: Uncertain significance for Hereditary cancer-predisposing syndrome. Last evaluated: 2015-02-04. Review status: criteria provided, single submitter. Criteria: Ambry Variant Classification Scheme 2023. Collection method: clinical testing. Allele origin: germline.
Comment: The p.L718V variant (also known as c.2152C>G), located in coding exon 13 of the CDH1 gene, results from a C to G substitution at nucleotide position 2152. The leucine at codon 718 is replaced by valine, an amino acid with highly similar properties. This variant was not reported in population based cohorts in the following databases: Database of Single Nucleotide Polymorphisms (dbSNP), NHLBI Exome Sequencing Project (ESP), and 1000 Genomes Project. In the ESP, this variant was not observed in 6498 samples (12996 alleles) with coverage at this position. To date, this alteration has been detected with an allele frequency of approximately 0.001% (greater than 73000 alleles tested) in our clinical cohort. This amino acid position is highly conserved in available vertebrate species. In addition, the in silico prediction for this alteration is inconclusive. Since supporting evidence is limited at this time, the clinical significance of p.L718V remains unclear.